The following is an entry in ClinVar:

NM_014714.4(IFT140):c.3348C>A (p.Asp1116Glu)

Gene: IFT140 (intraflagellar transport 140; minus strand). Cytogenetic location: 16p13.3.
Variant type: single nucleotide variant.
Coding change: c.3348C>A on transcript NM_014714.4 (MANE Select); coding-DNA position 3348, C replaced by A.
Protein change: p.Asp1116Glu; replaces aspartic acid 1116 with glutamic acid.
Molecular consequence: missense variant.
Genome position (GRCh38, 1-based): chr16:1,523,623, G>T on the plus strand (C>A on the coding strand, the complement: IFT140 is on the minus strand). VCF-style: chr16-1523623-G-T. GRCh37 (hg19) VCF-style: chr16-1573624-G-T.
Other names: c.3348C>A (NM_014714.3); short protein forms D1116E.
Identifiers: ClinVar variation 1052590 (VCV001052590.10), dbSNP rs1438729385, ClinGen allele CA394225358.

ClinVar aggregate classification (germline): Uncertain significance. Review status: criteria provided, multiple submitters, no conflicts (2 of 4 stars). 2 submissions from 2 submitters: Uncertain significance (2). Last evaluated 2026-07-03.

Conditions:
Inborn genetic diseases. Identifiers: MedGen C0950123, MeSH D030342.
Saldino-Mainzer syndrome (SRTD9). Also called: Renal dysplasia, retinal pigmentary dystrophy, cerebellar ataxia and skeletal dysplasia; short-rib thoracic dysplasia 9 with or without polydactyly; SHORT-RIB THORACIC DYSPLASIA 9 WITHOUT POLYDACTYLY; CONORENAL SYNDROME. Identifiers: Orphanet 140969, MedGen C1849437, MONDO:0009964, OMIM 266920.

Allele frequency attached by ClinVar (database versions not stated): gnomAD 0.00001; gnomAD exomes below 0.00001; TOPMed 0.00002.
gnomAD v4.1: 3 of 1,613,876 alleles (0.00019%); highest among the groups gnomAD compares: Admixed American, 0.0033%; no homozygotes.

Submissions (2):

Ambry Genetics
Classification: Uncertain significance for Inborn genetic diseases. Last evaluated: 2026-07-03. Review status: criteria provided, single submitter. Criteria: Ambry Variant Classification Scheme 2023. Collection method: clinical testing. Allele origin: germline.

Labcorp Genetics (formerly Invitae), Labcorp
Classification: Uncertain significance for Saldino-Mainzer syndrome. Last evaluated: 2022-03-10. Review status: criteria provided, single submitter. Criteria: Invitae Variant Classification Sherloc (09022015). Collection method: clinical testing. Allele origin: germline.
Comment: In summary, the available evidence is currently insufficient to determine the role of this variant in disease. Therefore, it has been classified as a Variant of Uncertain Significance. Algorithms developed to predict the effect of missense changes on protein structure and function are either unavailable or do not agree on the potential impact of this missense change (SIFT: "Deleterious"; PolyPhen-2: "Benign"; Align-GVGD: "Class C0"). ClinVar contains an entry for this variant (Variation ID: 1052590). This variant has not been reported in the literature in individuals affected with IFT140-related conditions. This variant is present in population databases (no rsID available, gnomAD 0.003%). This sequence change replaces aspartic acid, which is acidic and polar, with glutamic acid, which is acidic and polar, at codon 1116 of the IFT140 protein (p.Asp1116Glu).